The following is an entry in ClinVar:

ClinVar aggregate classification (germline): Uncertain significance (1 of 4 stars; one submission).

Allele frequency attached by ClinVar (database versions not stated): gnomAD exomes 0.00001; TOPMed below 0.00001; ExAC 0.00002.
gnomAD v4.1: 18 of 1,613,492 alleles (0.0011%); highest among the groups gnomAD compares: South Asian, 0.014%; no homozygotes.

Submission:

Labcorp Genetics (formerly Invitae), Labcorp
Classification: Uncertain significance. Last evaluated: 2022-07-12. Review status: criteria provided, single submitter. Criteria: Invitae Variant Classification Sherloc (09022015). Collection method: clinical testing. Allele origin: germline.
Comment: This sequence change replaces arginine, which is basic and polar, with glutamine, which is neutral and polar, at codon 12 of the TBCE protein (p.Arg12Gln). This variant is present in population databases (rs201164091, gnomAD 0.01%). This variant has not been reported in the literature in individuals affected with TBCE-related conditions. ClinVar contains an entry for this variant (Variation ID: 1411006). Algorithms developed to predict the effect of missense changes on protein structure and function output the following: SIFT: "Tolerated"; PolyPhen-2: "Benign"; Align-GVGD: "Class C0". The glutamine amino acid residue is found in multiple mammalian species, which suggests that this missense change does not adversely affect protein function. In summary, the available evidence is currently insufficient to determine the role of this variant in disease. Therefore, it has been classified as a Variant of Uncertain Significance.

NM_003193.5(TBCE):c.35G>A (p.Arg12Gln)

Gene: TBCE (tubulin folding cofactor E; plus strand). Cytogenetic location: 1q42.3.
Variant type: single nucleotide variant.
Coding change: c.35G>A on transcript NM_003193.5 (MANE Select); coding-DNA position 35, G replaced by A.
Protein change: p.Arg12Gln; replaces arginine 12 with glutamine.
Molecular consequence: missense variant. On other transcripts: 5 prime UTR variant (1).
Genome position (GRCh38, 1-based): chr1:235,380,084, G>A. VCF-style: chr1-235380084-G-A. GRCh37 (hg19) VCF-style: chr1-235543399-G-A.
Other names: c.35G>A, p.Arg12Gln (NM_001079515.3, NM_001287801.2); c.-276G>A (NM_001287802.2); short protein forms R12Q.
Identifiers: ClinVar variation 1411006 (VCV001411006.5), dbSNP rs201164091, ClinGen allele CA1463875.